The following is an entry in ClinVar:

ClinVar aggregate classification (germline): Uncertain significance. Review status: criteria provided, multiple submitters, no conflicts (2 of 4 stars). 2 submissions from 2 submitters: Uncertain significance (2). Last evaluated 2025-06-27.

Conditions:
TET3-related disorder. Also called: TET3-Related Disease; TET3-related condition.

Allele frequency attached by ClinVar (database versions not stated): gnomAD exomes below 0.00001; gnomAD 0.00001.
gnomAD v4.1: 2 of 1,232,070 alleles (0.00016%); highest among the groups gnomAD compares: East Asian, 0.0063%; no homozygotes.

Submissions (2):

GeneDx
Classification: Uncertain significance. Last evaluated: 2025-06-27. Review status: criteria provided, single submitter. Criteria: GeneDx Variant Classification Process June 2021. Collection method: clinical testing. Allele origin: germline. Affected: yes.
Comment: Has not been previously published as pathogenic or benign to our knowledge; No data available from control populations to assess the frequency of this variant; In silico analysis does not support a benign or deleterious effect of this variant on protein structure/function

PreventionGenetics, part of Exact Sciences
Classification: Uncertain significance for TET3-related condition. Last evaluated: 2023-05-02. Review status: criteria provided, single submitter. Criteria: ACMG Guidelines, 2015. Collection method: clinical testing. Allele origin: germline.
Comment: The TET3 c.175A>G variant is predicted to result in the amino acid substitution p.Thr59Ala. To our knowledge, this variant has not been reported in the literature or in a large population database, indicating this variant is rare. At this time, the clinical significance of this variant is uncertain due to the absence of conclusive functional and genetic evidence.

NM_001287491.2(TET3):c.175A>G (p.Thr59Ala)

Gene: TET3 (tet methylcytosine dioxygenase 3; plus strand). Cytogenetic location: 2p13.1.
Variant type: single nucleotide variant.
Coding change: c.175A>G on transcript NM_001287491.2 (MANE Select); coding-DNA position 175, A replaced by G.
Protein change: p.Thr59Ala; replaces threonine 59 with alanine.
Molecular consequence: missense variant.
Genome position (GRCh38, 1-based): chr2:73,986,578, A>G. VCF-style: chr2-73986578-A-G. GRCh37 (hg19) VCF-style: chr2-74213705-A-G.
Other names: short protein forms T59A.
Identifiers: ClinVar variation 2633298 (VCV002633298.2), dbSNP rs1684037726, ClinGen allele CA347307205.
Genomic context (GRCh38, chr2:73,986,578, plus strand): 5'-GGGAGTGAGTCCCAACTCCGAGGGGGTGGAGATGGTCGAAAGAAACGGAAACGGTGTGGT[A>G]CTTGTGAGCCCTGCCGGCGGCTGGAAAACTGTGGCGCTTGCACTAGCTGTACCAACCGCC-3'
Protein context (NP_001274420.1, residues 49-69): DGRKKRKRCG[Thr59Ala]CEPCRRLENC